The following is an entry in ClinVar:

ClinVar aggregate classification (germline): Uncertain significance (1 of 4 stars; one submission).

Conditions:
AKAP9-related disorder. Also called: AKAP9-related condition.

gnomAD v4.1: 2 of 1,613,994 alleles (0.00012%); highest among the groups gnomAD compares: South Asian, 0.0011%; no homozygotes.

Submission:

PreventionGenetics, part of Exact Sciences
Classification: Uncertain significance for AKAP9-related condition. Last evaluated: 2025-04-08. Review status: criteria provided, single submitter. Criteria: ACMG Guidelines, 2015. Collection method: clinical testing. Allele origin: germline.
Comment: The AKAP9 c.7060G>T variant is predicted to result in premature protein termination (p.Glu2354*). To our knowledge, this variant has not been reported in the literature or in a large population database (gnomAD), indicating this variant is rare. Loss-of-function in AKAP9 is not an established mechanism of disease. At this time, the clinical significance of this variant is uncertain due to the absence of conclusive functional and genetic evidence.

NM_005751.5(AKAP9):c.7060G>T (p.Glu2354Ter)

Gene: AKAP9 (A-kinase anchoring protein 9; plus strand). Cytogenetic location: 7q21.2.
Variant type: single nucleotide variant.
Coding change: c.7060G>T on transcript NM_005751.5 (MANE Select); coding-DNA position 7060, G replaced by T.
Protein change: p.Glu2354Ter; replaces glutamic acid 2354 with a stop codon.
Molecular consequence: nonsense.
Genome position (GRCh38, 1-based): chr7:92,079,193, G>T. VCF-style: chr7-92079193-G-T. GRCh37 (hg19) VCF-style: chr7-91708507-G-T.
Other names: c.1705G>T, p.Glu569Ter (NM_001379277.1); c.7036G>T, p.Glu2346Ter (NM_147185.3); short protein forms E2354*, E569*, E2346*.
Identifiers: ClinVar variation 4986266 (VCV004986266.1).